The following is an entry in ClinVar:

ClinVar aggregate classification (germline): Uncertain significance (1 of 4 stars; one submission).

Submission:

Medical Genetic Center, Changzhi Maternal and Child Health Care Hospital
Classification: Uncertain significance. Last evaluated: 2025-12-10. Review status: criteria provided, single submitter. Criteria: ACMG/ClinGen CNV Guidelines, 2019. Collection method: clinical testing. Allele origin: unknown.

GRCh38/hg38 6p25.1(chr6:5366676-5468603)x1

Genes: FARS2 (phenylalanyl-tRNA synthetase 2, mitochondrial; plus strand), FARS2-AS1 (FARS2 antisense RNA 1; minus strand), LOC126859565 (CDK7 strongly-dependent group 2 enhancer GRCh37_chr6:5368745-5369944; plus strand), LOC129995678 (ATAC-STARR-seq lymphoblastoid active region 23906; plus strand). Cytogenetic location: 6p25.1.
Variant type: copy number loss.
Change: copy number 1 (one copy instead of two) of chr6:5,366,676-5,468,603 (101.9 kb, GRCh38 coordinates, 1-based), cytogenetic band 6p25.1.
Identifiers: ClinVar variation 4796274 (VCV004796274.1).